The following is an entry in ClinVar:

NM_022124.6(CDH23):c.3565C>T (p.Arg1189Trp)

Genes: C10orf105 (chromosome 10 open reading frame 105; minus strand), CDH23 (cadherin related 23; plus strand). Cytogenetic location: 10q22.1.
Variant type: single nucleotide variant.
Coding change: c.3565C>T on transcript NM_022124.6 (MANE Select); coding-DNA position 3565, C replaced by T.
Protein change: p.Arg1189Trp; replaces arginine 1189 with tryptophan.
Molecular consequence: missense variant. On other transcripts: intron variant (1).
Genome position (GRCh38, 1-based): chr10:71,725,506, C>T. VCF-style: chr10-71725506-C-T. GRCh37 (hg19) VCF-style: chr10-73485263-C-T.
Other names: c.3565C>T, p.Arg1189Trp (NM_001171930.2); c.-5-9164G>A (NM_001168390.2); short protein forms R1189W.
Identifiers: ClinVar variation 4681323 (VCV004681323.5).

ClinVar aggregate classification (germline): Uncertain significance (1 of 4 stars; one submission).

gnomAD v4.1: 2 of 1,613,310 alleles (0.00012%); highest among the groups gnomAD compares: African/African-American, 0.0013%; no homozygotes.

Submission:

CeGaT Center for Human Genetics Tuebingen
Classification: Uncertain significance. Last evaluated: 2025-12-01. Review status: criteria provided, single submitter. Criteria: CeGaT Center For Human Genetics Tuebingen Variant Classification Criteria Version 2. Collection method: clinical testing. Allele origin: germline. Affected: yes. Observed: 1 variant allele.
Comment: CDH23: PM2